The following is an entry in ClinVar:

NM_000551.4(VHL):c.254T>C (p.Leu85Pro)

Gene: VHL (von Hippel-Lindau tumor suppressor; plus strand). Cytogenetic location: 3p25.3.
Variant type: single nucleotide variant.
Coding change: c.254T>C on transcript NM_000551.4 (MANE Select); coding-DNA position 254, T replaced by C.
Protein change: p.Leu85Pro; replaces leucine 85 with proline.
Molecular consequence: missense variant.
Genome position (GRCh38, 1-based): chr3:10,142,101, T>C. VCF-style: chr3-10142101-T-C. GRCh37 (hg19) VCF-style: chr3-10183785-T-C.
Other names: c.254T>C, p.Leu85Pro (NM_001354723.2, NM_198156.3); short protein forms L85P.
Identifiers: ClinVar variation 376222 (VCV000376222.10), dbSNP rs5030828, ClinGen allele CA16602675.
Genomic context (GRCh38, chr3:10,142,101, plus strand): 5'-CGGTGAACTCGCGCGAGCCCTCCCAGGTCATCTTCTGCAATCGCAGTCCGCGCGTCGTGC[T>C]GCCCGTATGGCTCAACTTCGACGGCGAGCCGCAGCCCTACCCAACGCTGCCGCCTGGCAC-3'
Protein context (NP_000542.1, residues 75-95): IFCNRSPRVV[Leu85Pro]PVWLNFDGEP

ClinVar aggregate classification (germline): Uncertain significance (1 of 4 stars; one submission).

Conditions:
Von Hippel-Lindau syndrome (VHLS). Also called: Von Hippel-Lindau; VHL syndrome; von Hippel–Lindau syndrome. Identifiers: Orphanet 892, MedGen C0019562, MONDO:0008667, OMIM 193300. Disease mechanism: loss of function.
Chuvash polycythemia. Also called: POLYCYTHEMIA, VHL-DEPENDENT. Identifiers: Orphanet 238557, MedGen C1837915, MONDO:0009892, OMIM 263400.

Submission:

Labcorp Genetics (formerly Invitae), Labcorp
Classification: Uncertain significance for Von Hippel-Lindau syndrome; Chuvash polycythemia. Last evaluated: 2021-02-17. Review status: criteria provided, single submitter. Criteria: Invitae Variant Classification Sherloc (09022015). Collection method: clinical testing. Allele origin: germline.
Comment: This variant has been observed in individual(s) with von Hippel-Lindau syndrome (PMID: 11409863, Invitae). ClinVar contains an entry for this variant (Variation ID: 376222). This variant is not present in population databases (ExAC no frequency). This sequence change replaces leucine with proline at codon 85 of the VHL protein (p.Leu85Pro). The leucine residue is moderately conserved and there is a moderate physicochemical difference between leucine and proline. Algorithms developed to predict the effect of missense changes on protein structure and function are either unavailable or do not agree on the potential impact of this missense change (SIFT: "Tolerated"; PolyPhen-2: "Probably Damaging"; Align-GVGD: "Class C0"). In summary, the available evidence is currently insufficient to determine the role of this variant in disease. Therefore, it has been classified as a Variant of Uncertain Significance.

Literature cited by the submitters: PubMed 11409863.